The following is an entry in ClinVar:

NM_001370259.2(MEN1):c.895del (p.Leu299fs)

Gene: MEN1 (menin 1; minus strand). Cytogenetic location: 11q13.1.
Variant type: Deletion.
Coding change: c.895del on transcript NM_001370259.2 (MANE Select); coding-DNA position 895, one base deleted (C; older notation c.895delC).
Protein change: p.Leu299fs; shifts the reading frame from leucine 299.
Molecular consequence: frameshift variant. On other transcripts: non-coding transcript variant (4).
Genome position (GRCh38, 1-based): chr11:64,807,028, G deleted on the plus strand (C on the coding strand, the reverse complement: MEN1 is on the minus strand). VCF-style (leftmost placement, unchanged base first): chr11-64807027-AG-A. GRCh37 (hg19) VCF-style: chr11-64574499-AG-A.
Other names: c.910del, p.Leu304fs (NM_000244.4, NM_001407145.1, NM_130804.3 and 5 more transcripts); c.895del, p.Leu299fs (NM_001370251.2, NM_001370260.2, NM_001370261.2 and 7 more transcripts); c.790del, p.Leu264fs (NM_001370262.2, NM_001370263.2, NM_001407148.1 and 2 more transcripts); short protein forms L264fs, L299fs, L304fs.
Identifiers: ClinVar variation 3721059 (VCV003721059.2).

ClinVar aggregate classification (germline): Pathogenic (1 of 4 stars; one submission).

Conditions:
Multiple endocrine neoplasia, type 1 (MEN1). Also called: MEN I; WERMER SYNDROME; Endocrine adenomatosis multiple; MEN 1; MEA I. Identifiers: Orphanet 652, MedGen C0025267, MeSH D018761, MONDO:0007540, OMIM 131100.

Submission:

Labcorp Genetics (formerly Invitae), Labcorp
Classification: Pathogenic for Multiple endocrine neoplasia, type 1. Last evaluated: 2024-10-26. Review status: criteria provided, single submitter. Criteria: Invitae Variant Classification Sherloc (09022015). Collection method: clinical testing. Allele origin: germline.
Comment: This sequence change creates a premature translational stop signal (p.Leu299Serfs*69) in the MEN1 gene. It is expected to result in an absent or disrupted protein product. Loss-of-function variants in MEN1 are known to be pathogenic (PMID: 12112656, 17853334). This variant is not present in population databases (gnomAD no frequency). This premature translational stop signal has been observed in individual(s) with clinical features of MEN1-related conditions (PMID: 15670192). For these reasons, this variant has been classified as Pathogenic.

Literature cited by the submitters: PubMed 12112656; PubMed 17853334; PubMed 15670192.